The following is an entry in ClinVar:

NM_001374675.1(HSF4):c.413G>A (p.Arg138Gln)

Gene: HSF4 (heat shock transcription factor 4; plus strand). Cytogenetic location: 16q22.1.
Variant type: single nucleotide variant.
Coding change: c.413G>A on transcript NM_001374675.1 (MANE Select); coding-DNA position 413, G replaced by A.
Protein change: p.Arg138Gln; replaces arginine 138 with glutamine.
Molecular consequence: missense variant.
Genome position (GRCh38, 1-based): chr16:67,165,998, G>A. VCF-style: chr16-67165998-G-A. GRCh37 (hg19) VCF-style: chr16-67199901-G-A.
Other names: c.413G>A, p.Arg138Gln (NM_001040667.3, NM_001374674.1, NM_001538.4); short protein forms R138Q.
Identifiers: ClinVar variation 2806742 (VCV002806742.3), dbSNP rs1039305720, ClinGen allele CA282289510.

ClinVar aggregate classification (germline): Uncertain significance (1 of 4 stars; one submission).

Conditions:
Cataract 5 multiple types (CTRCT5). Also called: CATARACT, MARNER TYPE; CATARACT 5, LAMELLAR; Lamellar cataract. Identifiers: Orphanet 91492, MedGen C0266537, MONDO:0007290, OMIM 116800, HP:0007971.

Allele frequency attached by ClinVar (database versions not stated): TOPMed below 0.00001; gnomAD 0.00001; gnomAD exomes below 0.00001.
gnomAD v4.1: 7 of 1,543,740 alleles (0.00045%); highest among the groups gnomAD compares: African/African-American, 0.0014%; no homozygotes.

Submission:

Labcorp Genetics (formerly Invitae), Labcorp
Classification: Uncertain significance for Cataract 5 multiple types. Last evaluated: 2024-02-23. Review status: criteria provided, single submitter. Criteria: Invitae Variant Classification Sherloc (09022015). Collection method: clinical testing. Allele origin: germline.
Comment: This sequence change replaces arginine, which is basic and polar, with glutamine, which is neutral and polar, at codon 138 of the HSF4 protein (p.Arg138Gln). The frequency data for this variant in the population databases is considered unreliable, as metrics indicate poor data quality at this position in the gnomAD database. This variant has not been reported in the literature in individuals affected with HSF4-related conditions. Advanced modeling of protein sequence and biophysical properties (such as structural, functional, and spatial information, amino acid conservation, physicochemical variation, residue mobility, and thermodynamic stability) performed at Invitae indicates that this missense variant is not expected to disrupt HSF4 protein function with a negative predictive value of 80%. In summary, the available evidence is currently insufficient to determine the role of this variant in disease. Therefore, it has been classified as a Variant of Uncertain Significance.